The following is an entry in ClinVar:

ClinVar aggregate classification (germline): Likely pathogenic. Review status: reviewed by expert panel (3 of 4 stars). 5 submissions from 5 submitters: Likely pathogenic (1). 4 of the submissions do not count toward it. Last evaluated 2023-08-30.

Conditions:
CDH1-related diffuse gastric and lobular breast cancer syndrome. Also called: CDH1-related diffuse gastric and lobular breast cancer. Identifiers: MedGen CN311521, MONDO:0100488.
Hereditary cancer-predisposing syndrome. Also called: Tumor predisposition; Hereditary neoplastic syndrome; Neoplastic Syndromes, Hereditary; Hereditary Cancer Syndrome. Identifiers: Orphanet 140162, MedGen C0027672, MeSH D009386, MONDO:0015356.
Hereditary diffuse gastric adenocarcinoma (HDGC). Also called: DIFFUSE GASTRIC AND LOBULAR BREAST CANCER SYNDROME. Identifiers: Orphanet 26106, MedGen C1708349, MONDO:0007648, OMIM 137215.

Submissions (5):

Clingen Gastric Cancer Variant Curation Expert Panel
Classification: Likely pathogenic for CDH1-related diffuse gastric and lobular breast cancer syndrome. Last evaluated: 2023-08-30. Review status: reviewed by expert panel. Criteria: ClinGen CDH1 ACMG Specifications V3.1. Collection method: curation. Allele origin: germline. Inheritance: Autosomal dominant inheritance.
Comment: The c.2440-2A>G variant is a canonical splice variant predicted to result in a truncated or absent protein (PVS1_Strong, PM5_Supporting). This variant is absent in the gnomAD cohort (PM2_Supporting). There is also an RNA assay demonstrating abnormal splicing (PS3_Moderate; SCV000700319.2). In summary, this variant meets criteria to be classified as likely pathogenic based on the ACMG/AMP criteria applied as specified by the CDH1 Variant Curation Expert Panel (Variant Interpretation Guidelines Version 3.1): PVS1_strong, PM2_Supporting, PS3_Moderate, PM5_Supporting.

Myriad Genetics, Inc.
Classification: Likely pathogenic for Hereditary diffuse gastric adenocarcinoma. Last evaluated: 2023-06-15. Review status: criteria provided, single submitter. Criteria: Myriad Autosomal Dominant, Autosomal Recessive and X-Linked Classification Criteria (2023). Collection method: clinical testing. Allele origin: unknown. Not counted in ClinVar's aggregate classification.
Comment: This variant is considered likely pathogenic. This variant occurs within a consensus splice junction and is predicted to result in abnormal mRNA splicing of either an out-of-frame exon or an in-frame exon necessary for protein stability and/or normal function.

Ambry Genetics
Classification: Pathogenic for Hereditary cancer-predisposing syndrome. Last evaluated: 2018-07-18. Review status: criteria provided, single submitter. Criteria: Ambry Variant Classification Scheme 2023. Collection method: clinical testing. Allele origin: germline. Not counted in ClinVar's aggregate classification.
Comment: The c.2440-2A>G intronic pathogenic mutation results from an A to G substitution two nucleotides upstream from coding exon 16 in the CDH1 gene. This nucleotide position is highly conserved in available vertebrate species. Using the BDGP and ESEfinder splice site prediction tools, this alteration is predicted to abolish the native splice acceptor site. Internal RNA studies confirm that this mutation leads to abnormal transcripts in the set of samples tested (Ambry internal data). Alterations that disrupt the canonical splice site are expected to cause aberrant splicing and are typically deleterious in nature; however, this alteration occurs at the 3' terminus of CDH1, is not expected to trigger nonsense mediated decay, and only affects the last 68 amino acids of the protein. The exact functional significance of this splicing alteration is unknown; however, this alteration is expected to alter the catenin-binding domain, which is important for regulating the stability of cadherin mediated cell-cell adhesion (Ishiyama N et al. Cell, 2010 Apr;141:117-28). Based on the supporting evidence, this alteration is interpreted as a disease-causing mutation.

Quest Diagnostics Nichols Institute San Juan Capistrano
Classification: Likely pathogenic. Last evaluated: 2018-05-16. Review status: criteria provided, single submitter. Criteria: Quest Diagnostics criteria. Collection method: clinical testing. Allele origin: germline. Not counted in ClinVar's aggregate classification.

Juno Genomics, Hangzhou Juno Genomics, Inc
Classification: Likely pathogenic for Hereditary diffuse gastric adenocarcinoma. Review status: criteria provided, single submitter. Criteria: ACMG Guidelines, 2015. Collection method: clinical testing. Allele origin: germline. Affected: yes. Not counted in ClinVar's aggregate classification.
Comment: Absent from controls (or at extremely low frequency if recessive) in Genome Aggregation Database, Exome Sequencing Project, 1000 Genomes Project, or Exome Aggregation Consortium.;Null variant in a gene where loss of function (LOF) is a known mechanism of disease.;Novel missense change at an amino acid residue where a different missense change determined to be pathogenic has been seen before.

Literature cited by the submitters: PubMed 19168852 (cited by Ambry Genetics).

NM_004360.5(CDH1):c.2440-2A>G

Gene: CDH1 (cadherin 1; plus strand). Cytogenetic location: 16q22.1.
Variant type: single nucleotide variant.
Coding change: c.2440-2A>G on transcript NM_004360.5 (MANE Select); the canonical splice acceptor site of the intron before coding-DNA position 2440, A replaced by G.
Molecular consequence: splice acceptor variant.
Genome position (GRCh38, 1-based): chr16:68,833,288, A>G. VCF-style: chr16-68833288-A-G. GRCh37 (hg19) VCF-style: chr16-68867191-A-G.
Other names: c.475-2A>G (NM_001317186.2); c.2257-2A>G (NM_001317184.2); c.892-2A>G (NM_001317185.2).
Identifiers: ClinVar variation 496817 (VCV000496817.9), dbSNP rs1555518210, ClinGen allele CA396471928.